The following is an entry in ClinVar:

NM_003001.5(SDHC):c.398G>A (p.Arg133Gln)

Gene: SDHC (succinate dehydrogenase complex subunit C; plus strand). Cytogenetic location: 1q23.3.
Variant type: single nucleotide variant.
Coding change: c.398G>A on transcript NM_003001.5 (MANE Select); coding-DNA position 398, G replaced by A.
Protein change: p.Arg133Gln; replaces arginine 133 with glutamine.
Molecular consequence: missense variant. On other transcripts: non-coding transcript variant (1), intron variant (3).
Genome position (GRCh38, 1-based): chr1:161,356,833, G>A. VCF-style: chr1-161356833-G-A. GRCh37 (hg19) VCF-style: chr1-161326623-G-A.
Other names: c.296G>A, p.Arg99Gln (NM_001035512.3); c.239G>A, p.Arg80Gln (NM_001035513.3); c.518G>A, p.Arg173Gln (NM_001407115.1); c.341G>A, p.Arg114Gln (NM_001407116.1); c.335G>A, p.Arg112Gln (NM_001407117.1); c.290G>A, p.Arg97Gln (NM_001407118.1); c.287G>A, p.Arg96Gln (NM_001407119.1, NM_001407120.1); c.242-5496G>A (NM_001035511.3); and 2 more; short protein forms R133Q, R99Q, R80Q, R112Q, R173Q, R96Q, R97Q, R114Q.
Identifiers: ClinVar variation 41775 (VCV000041775.12), dbSNP rs386833414, ClinGen allele CA011418.

ClinVar aggregate classification (germline): Uncertain significance. Review status: criteria provided, multiple submitters, no conflicts (2 of 4 stars). 5 submissions from 5 submitters: Uncertain significance (4). 1 of the submissions does not count toward it. Last evaluated 2024-09-04.

Conditions:
Pheochromocytoma/paraganglioma syndrome 3. Also called: GLOMUS TUMORS, FAMILIAL, 3; SDHC-Related Hereditary Paraganglioma-Pheochromocytoma Syndrome (Paragangliomas 3); Paragangliomas 3; SDHC-Related Hereditary Paraganglioma-Pheochromocytoma Syndrome. Identifiers: Orphanet 29072, MedGen C1854336, MONDO:0011544, OMIM 605373.
Gastrointestinal stromal tumor. Also called: Gastrointestinal stromal tumor, somatic; Gastrointestinal stroma tumor. Identifiers: Orphanet 44890, MedGen C0238198, MeSH D046152, MONDO:0011719, OMIM 606764, HP:0100723.
Hereditary cancer-predisposing syndrome. Also called: Hereditary Cancer Syndrome; Tumor predisposition; Neoplastic Syndromes, Hereditary; Hereditary neoplastic syndrome. Identifiers: Orphanet 140162, MedGen C0027672, MeSH D009386, MONDO:0015356.
Hereditary pheochromocytoma and paraganglioma. Also called: Hereditary Paraganglioma-Pheochromocytoma Syndromes; Hereditary paragangliomas and pheochromocytomas; Hereditary pheochromocytoma-paraganglioma. Identifiers: Orphanet 29072, MedGen C4274332, MONDO:0017366.

Allele frequency attached by ClinVar (database versions not stated): gnomAD exomes below 0.00001; TOPMed below 0.00001; gnomAD 0.00001.

Submissions (5):

Labcorp Genetics (formerly Invitae), Labcorp
Classification: Uncertain significance for Pheochromocytoma/paraganglioma syndrome 3; Gastrointestinal stromal tumor. Last evaluated: 2024-09-04. Review status: criteria provided, single submitter. Criteria: Invitae Variant Classification Sherloc (09022015). Collection method: clinical testing. Allele origin: germline.
Comment: This sequence change replaces arginine, which is basic and polar, with glutamine, which is neutral and polar, at codon 133 of the SDHC protein (p.Arg133Gln). This variant is not present in population databases (gnomAD no frequency). This variant has not been reported in the literature in individuals affected with SDHC-related conditions. ClinVar contains an entry for this variant (Variation ID: 41775). An algorithm developed to predict the effect of missense changes on protein structure and function (PolyPhen-2) suggests that this variant is likely to be disruptive. In summary, the available evidence is currently insufficient to determine the role of this variant in disease. Therefore, it has been classified as a Variant of Uncertain Significance.

Ambry Genetics
Classification: Uncertain significance for Hereditary cancer-predisposing syndrome. Last evaluated: 2024-02-23. Review status: criteria provided, single submitter. Criteria: Ambry Variant Classification Scheme 2023. Collection method: clinical testing. Allele origin: germline.
Comment: The p.R133Q variant (also known as c.398G>A), located in coding exon 5 of the SDHC gene, results from a G to A substitution at nucleotide position 398. The arginine at codon 133 is replaced by glutamine, an amino acid with highly similar properties. This amino acid position is highly conserved in available vertebrate species. In addition, this alteration is predicted to be deleterious by in silico analysis. Based on the available evidence, the clinical significance of this alteration remains unclear.

All of Us Research Program, National Institutes of Health
Classification: Uncertain significance for Hereditary pheochromocytoma and paraganglioma. Last evaluated: 2023-08-08. Review status: criteria provided, single submitter. Criteria: ACMG Guidelines, 2015. Collection method: clinical testing. Allele origin: germline. Inheritance: Autosomal dominant inheritance. Observed: 3 variant alleles, 3 heterozygotes.
Comment: This study involves interpretation of variants in research participants for the purpose of population health screening. Participant phenotype was not available at the time of variant classification. Additional details can be found in publication PMID: 35346344, PMCID: PMC8962531

Baylor Genetics
Classification: Uncertain significance for Gastrointestinal stromal tumor. Last evaluated: 2023-05-26. Review status: criteria provided, single submitter. Criteria: ACMG Guidelines, 2015. Collection method: clinical testing. Allele origin: unknown.

Biesecker Lab/Clinical Genomics Section, National Institutes of Health
Classification: Uncertain significance. Last evaluated: 2012-07-13. Review status: no assertion criteria provided. Collection method: research. Allele origin: germline. Affected: no. Observed: 1 variant allele. Study: ClinSeq. Not counted in ClinVar's aggregate classification.
ClinVar note: Converted during submission from variant of unknown significance to Uncertain significance.